The following is an entry in ClinVar:

NM_001122955.4(BSCL2):c.885G>A (p.Pro295=)

Genes: HNRNPUL2-BSCL2 (HNRNPUL2-BSCL2 readthrough (NMD candidate); minus strand), BSCL2 (BSCL2 lipid droplet biogenesis associated, seipin; minus strand). Cytogenetic location: 11q12.3.
Variant type: single nucleotide variant.
Coding change: c.885G>A on transcript NM_001122955.4 (MANE Select); coding-DNA position 885, G replaced by A.
Protein change: p.Pro295=; no amino-acid change (proline 295 retained).
Molecular consequence: synonymous variant. On other transcripts: non-coding transcript variant (1), intron variant (1).
Genome position (GRCh38, 1-based): chr11:62,691,400, C>T on the plus strand (G>A on the coding strand, the complement: BSCL2 is on the minus strand). VCF-style: chr11-62691400-C-T. GRCh37 (hg19) VCF-style: chr11-62458872-C-T.
Other names: c.885G>A, p.Pro295= (NM_001386027.1, NM_001386028.1); c.693G>A, p.Pro231= (NM_032667.6); c.672-259G>A (NM_001130702.2).
Identifiers: ClinVar variation 446899 (VCV000446899.12), dbSNP rs559783362, ClinGen allele CA6053416.

ClinVar aggregate classification (germline): Likely benign. Review status: criteria provided, multiple submitters, no conflicts (2 of 4 stars). 3 submissions from 3 submitters: Likely benign (3). Last evaluated 2025-08-29.

Conditions:
BSCL2-related disorder. Also called: BSCL2-Related Disorders; BSCL2-related condition.
Charcot-Marie-Tooth disease type 2. Also called: Charcot-Marie-Tooth type 2. Identifiers: Orphanet 64746, MedGen C0270914, MONDO:0018993.

Allele frequency attached by ClinVar (database versions not stated): gnomAD exomes 0.00002 and 0.00006; ExAC 0.00004; TOPMed 0.00004; gnomAD 0.00005 and 0.00006; 1000 Genomes Project 0.00020; 1000 Genomes Project 30x 0.00031.
gnomAD v4.1: 49 of 1,614,128 alleles (0.003%); highest among the groups gnomAD compares: Admixed American, 0.0067%; no homozygotes.

Submissions (3):

PreventionGenetics, part of Exact Sciences
Classification: Likely benign for BSCL2-related condition. Last evaluated: 2025-08-29. Review status: criteria provided, single submitter. Criteria: ACMG Guidelines, 2015. Collection method: clinical testing. Allele origin: germline.
Comment: This variant is classified as likely benign based on ACMG/AMP sequence variant interpretation guidelines (Richards et al. 2015 PMID: 25741868, with internal and published modifications).

Labcorp Genetics (formerly Invitae), Labcorp
Classification: Likely benign for Charcot-Marie-Tooth disease type 2. Last evaluated: 2025-04-23. Review status: criteria provided, single submitter. Criteria: Invitae Variant Classification Sherloc (09022015). Collection method: clinical testing. Allele origin: germline.

Athena Diagnostics
Classification: Likely benign. Last evaluated: 2018-09-24. Review status: criteria provided, single submitter. Criteria: Athena Diagnostics Criteria. Collection method: clinical testing. Allele origin: germline.